The following is an entry in ClinVar:

ClinVar aggregate classification (germline): Uncertain significance (1 of 4 stars; one submission).

Allele frequency attached by ClinVar (database versions not stated): gnomAD 0.00005; ESP Exome Variant Server 0.00008.
gnomAD v4.1: 10 of 1,612,274 alleles (0.00062%); highest among the groups gnomAD compares: African/African-American, 0.008%; no homozygotes.

Submission:

Labcorp Genetics (formerly Invitae), Labcorp
Classification: Uncertain significance. Last evaluated: 2022-08-20. Review status: criteria provided, single submitter. Criteria: Invitae Variant Classification Sherloc (09022015). Collection method: clinical testing. Allele origin: germline.
Comment: In summary, the available evidence is currently insufficient to determine the role of this variant in disease. Therefore, it has been classified as a Variant of Uncertain Significance. Algorithms developed to predict the effect of missense changes on protein structure and function output the following: SIFT: "Tolerated"; PolyPhen-2: "Not Available"; Align-GVGD: "Class C0". The asparagine amino acid residue is found in multiple mammalian species, which suggests that this missense change does not adversely affect protein function. This variant has not been reported in the literature in individuals affected with PDZD7-related conditions. This variant is present in population databases (rs374410165, gnomAD 0.007%). This sequence change replaces aspartic acid, which is acidic and polar, with asparagine, which is neutral and polar, at codon 10 of the PDZD7 protein (p.Asp10Asn).

NM_001195263.2(PDZD7):c.28G>A (p.Asp10Asn)

Gene: PDZD7 (PDZ domain containing 7; minus strand). Cytogenetic location: 10q24.31.
Variant type: single nucleotide variant.
Coding change: c.28G>A on transcript NM_001195263.2 (MANE Select); coding-DNA position 28, G replaced by A.
Protein change: p.Asp10Asn; replaces aspartic acid 10 with asparagine.
Molecular consequence: missense variant.
Genome position (GRCh38, 1-based): chr10:101,030,192, C>T on the plus strand (G>A on the coding strand, the complement: PDZD7 is on the minus strand). VCF-style: chr10-101030192-C-T. GRCh37 (hg19) VCF-style: chr10-102789949-C-T.
Other names: c.28G>A, p.Asp10Asn (NM_001351044.2, NM_024895.5); short protein forms D10N.
Identifiers: ClinVar variation 2081109 (VCV002081109.4), dbSNP rs374410165, ClinGen allele CA5654524.
Genomic context (GRCh38, chr10:101,030,192, plus strand): 5'-GGCCTCGGGAGGAGAGGGAGCTCAGAGAGCCGGAGCTCAGGTCTCCTAGGCCCAGTGGGT[C>T]GAAGCCCACTGCGAAACCCTGCGCCATGGCGGCTGGGCTAGGGCGGCACCCTACAGGTCC-3'
Protein context (NP_001182192.1, residues 1-20): MAQGFAVGF[Asp10Asn]PLGLGDLSSG